The following is an entry in ClinVar:

NM_000535.7(PMS2):c.2276-1_2445+2del

Gene: PMS2 (PMS1 homolog 2, mismatch repair system component; minus strand). Cytogenetic location: 7p22.1.
Variant type: Deletion.
Coding change: c.2276-1_2445+2del on transcript NM_000535.7 (MANE Select); the canonical splice acceptor site of the intron before coding-DNA position 2276 through the canonical splice donor site of the intron after coding-DNA position 2445, 173 bases deleted.
Molecular consequence: splice acceptor variant, splice donor variant.
Genome position (GRCh38, 1-based): chr7:5,977,586-5,977,758, 173 bases deleted. GRCh37 (hg19): chr7:6,017,217-6,017,389.
Other names: c.1958-1_2127+2del (NM_001322008.2, NM_001322007.2); c.1715-1_1884+2del (NM_001322010.2); c.1871-1_2040+2del (NM_001322004.2, NM_001322003.2, NM_001322005.2); c.1703-1_1872+2del (NM_001322013.2); c.1343-1_1512+2del (NM_001322012.2, NM_001322011.2); c.1967-1_2136+2del (NM_001322015.2); c.2120-1_2289+2del (NM_001322006.2); c.2308_2478+2del (NM_001322014.2); and 1 more.
Identifiers: ClinVar variation 1049246 (VCV001049246.2), dbSNP rs2128671526, ClinGen allele CA2499218941.

ClinVar aggregate classification (germline): Pathogenic (0 of 4 stars; one submission).

Conditions:
Malignant tumor of breast. Also called: Malignant breast neoplasm; Cancer breast. Identifiers: MedGen C0006142, MONDO:0007254. Disease mechanism: loss of function.

Submission:

Department of Pathology and Laboratory Medicine, Sinai Health System
Classification: Pathogenic for Malignant tumor of breast. Review status: no assertion criteria provided. Collection method: clinical testing. Allele origin: unknown. Affected: yes. Observed: 2 variant alleles. Study: The Canadian Open Genetics Repository (COGR).
Comment: The PMS2 c.2276-?_2445del+? variant (chr:7 g.6017219_6017388del GRCh37) results in a deletion of exon 14, although the precise breakpoints of this deletion were not determined, nor were the effects of this variant on the resulting mRNA or protein product determined. The PMS2 p.Ala759Glyfs*8 variant was identified in 3 of 196 proband chromosomes (frequency: 0.015) from individuals or families with Lynch syndrome (ten Broeke 2015). The variant was also identified in Clinvitae as pathogenic. Two variants with the same protein consequence p.Ala759Glyfs*8 but different break points (c.2276-113_2445+1596del and c.2276-91_2445+790del) were reported in ClinVar and Insight Colon Cancer Gene Variant Database as pathogenic. The variant was not identified in dbSNP, Cosmic, MutDB, Zhejiang Colon Cancer Database, Mismatch Repair Genes Variant Database, Insight Hereditary Tumors Database, databases. The variant was not identified in the 1000 Genomes Project, the NHLBI GO Exome Sequencing Project or the Exome Aggregation Consortium (August 8th 2016) control databases. The effect of the c.2276_2445del variant on the protein product was not determined but is predicted to cause a frameshift, which alters the protein's amino acid sequence beginning at codon 759 and leads to a premature stop codon at position 766. This alteration is then predicted to result in a truncated or absent protein and loss of function. Loss of function variants of the PMS2 gene are an established mechanism of disease in Lynch syndrome and is the type of variant expected to cause the disorder. In summary, based on the above information this variant meets our laboratoryâ€šÃ„Ã´s criteria to be classified as pathogenic.